The following is an entry in ClinVar:

NM_001868.4(CPA1):c.1156C>A (p.Arg386Ser)

Gene: CPA1 (carboxypeptidase A1; plus strand). Cytogenetic location: 7q32.2.
Variant type: single nucleotide variant.
Coding change: c.1156C>A on transcript NM_001868.4 (MANE Select); coding-DNA position 1156, C replaced by A.
Protein change: p.Arg386Ser; replaces arginine 386 with serine.
Molecular consequence: missense variant.
Genome position (GRCh38, 1-based): chr7:130,387,907, C>A. VCF-style: chr7-130387907-C-A. GRCh37 (hg19) VCF-style: chr7-130027748-C-A.
Other names: short protein forms R386S.
Identifiers: ClinVar variation 3221803 (VCV003221803.1), dbSNP rs201750163, ClinGen allele CA369284353.

ClinVar aggregate classification (germline): Uncertain significance (1 of 4 stars; one submission).

Conditions:
Hereditary pancreatitis (PCTT). Also called: Hereditary chronic pancreatitis; PRSS1-Related Hereditary Pancreatitis. Identifiers: Orphanet 676, MedGen C0238339, MONDO:0008185, OMIM 167800.

Submission:

Ambry Genetics
Classification: Uncertain significance for Hereditary pancreatitis. Last evaluated: 2024-01-01. Review status: criteria provided, single submitter. Criteria: Ambry Variant Classification Scheme 2023. Collection method: clinical testing. Allele origin: germline.
Comment: The p.R386S variant (also known as c.1156C>A), located in coding exon 10 of the CPA1 gene, results from a C to A substitution at nucleotide position 1156. The arginine at codon 386 is replaced by serine, an amino acid with dissimilar properties. This amino acid position is conserved. In addition, this alteration is predicted to be tolerated by in silico analysis. Since supporting evidence is limited at this time, the clinical significance of this alteration remains unclear.